The following is an entry in ClinVar:

ClinVar aggregate classification (germline): Uncertain significance (1 of 4 stars; one submission).

Submission:

Labcorp Genetics (formerly Invitae), Labcorp
Classification: Uncertain significance. Last evaluated: 2022-07-12. Review status: criteria provided, single submitter. Criteria: Invitae Variant Classification Sherloc (09022015). Collection method: clinical testing. Allele origin: germline.
Comment: In summary, the available evidence is currently insufficient to determine the role of this variant in disease. Therefore, it has been classified as a Variant of Uncertain Significance. Algorithms developed to predict the effect of missense changes on protein structure and function are either unavailable or do not agree on the potential impact of this missense change (SIFT: "Deleterious"; PolyPhen-2: "Probably Damaging"; Align-GVGD: "Class C0"). ClinVar contains an entry for this variant (Variation ID: 1351500). This sequence change replaces glycine, which is neutral and non-polar, with valine, which is neutral and non-polar, at codon 1104 of the CACNA1F protein (p.Gly1104Val). This variant is not present in population databases (gnomAD no frequency). This variant has not been reported in the literature in individuals affected with CACNA1F-related conditions.

NM_001256789.3(CACNA1F):c.3278G>T (p.Gly1093Val)

Gene: CACNA1F (calcium voltage-gated channel subunit alpha1 F; minus strand). Cytogenetic location: Xp11.23.
Variant type: single nucleotide variant.
Coding change: c.3278G>T on transcript NM_001256789.3 (MANE Select); coding-DNA position 3278, G replaced by T.
Protein change: p.Gly1093Val; replaces glycine 1093 with valine.
Molecular consequence: missense variant.
Genome position (GRCh38, 1-based): chrX:49,215,502, C>A on the plus strand (G>T on the coding strand, the complement: CACNA1F is on the minus strand). VCF-style: chrX-49215502-C-A. GRCh37 (hg19) VCF-style: chrX-49071962-C-A.
Other names: c.3116G>T, p.Gly1039Val (NM_001256790.3); c.3311G>T, p.Gly1104Val (NM_005183.4); short protein forms G1039V, G1104V, G1093V.
Identifiers: ClinVar variation 1351500 (VCV001351500.8), dbSNP rs1557107205, ClinGen allele CA412963744.
Genomic context (GRCh38, chrX:49,215,502, plus strand): 5'-ATGATGATGATGTAGACAATGAAGAACACTGAGATCTCCACACGGTAATTATAGATGGGG[C>A]CGTGGTCCTCTGCATATGCATCGATGGCCTTGTATAGCAGTCTGTGGGAGCCAGAGGGGG-3'
Protein context (NP_001243718.1, residues 1083-1103): KAIDAYAEDH[Gly1093Val]PIYNYRVEIS